The following is an entry in ClinVar:

ClinVar aggregate classification (germline): Uncertain significance (1 of 4 stars; one submission).

Conditions:
Werner syndrome (WRN). Identifiers: Orphanet 902, MedGen C0043119, MONDO:0010196, OMIM 277700.

Submission:

Labcorp Genetics (formerly Invitae), Labcorp
Classification: Uncertain significance for Werner syndrome. Last evaluated: 2022-08-26. Review status: criteria provided, single submitter. Criteria: Invitae Variant Classification Sherloc (09022015). Collection method: clinical testing. Allele origin: germline.
Comment: ClinVar contains an entry for this variant (Variation ID: 935030). In summary, the available evidence is currently insufficient to determine the role of this variant in disease. Therefore, it has been classified as a Variant of Uncertain Significance. Algorithms developed to predict the effect of sequence changes on RNA splicing suggest that this variant may create or strengthen a splice site. Algorithms developed to predict the effect of missense changes on protein structure and function are either unavailable or do not agree on the potential impact of this missense change (SIFT: "Not Available"; PolyPhen-2: "Benign"; Align-GVGD: "Not Available"). This variant has not been reported in the literature in individuals affected with WRN-related conditions. This variant is not present in population databases (gnomAD no frequency). This sequence change replaces asparagine, which is neutral and polar, with lysine, which is basic and polar, at codon 157 of the WRN protein (p.Asn157Lys).

NM_000553.6(WRN):c.471T>G (p.Asn157Lys)

Gene: WRN (WRN RecQ like helicase; plus strand). Cytogenetic location: 8p12.
Variant type: single nucleotide variant.
Coding change: c.471T>G on transcript NM_000553.6 (MANE Select); coding-DNA position 471, T replaced by G.
Protein change: p.Asn157Lys; replaces asparagine 157 with lysine.
Molecular consequence: missense variant.
Genome position (GRCh38, 1-based): chr8:31,065,030, T>G. VCF-style: chr8-31065030-T-G. GRCh37 (hg19) VCF-style: chr8-30922546-T-G.
Other names: short protein forms N157K.
Identifiers: ClinVar variation 935030 (VCV000935030.6), dbSNP rs1812640873, ClinGen allele CA370914987.